The following is an entry in ClinVar:

NM_001709.5(BDNF):c.-21-15554C>G

Genes: BDNF-AS (BDNF antisense RNA; plus strand), BDNF (brain derived neurotrophic factor; minus strand). Cytogenetic location: 11p14.1.
Variant type: single nucleotide variant.
Coding change: c.-21-15554C>G on transcript NM_001709.5 (MANE Select); 15554 bases into the intron before 21 bases upstream of the start codon, C replaced by G.
Molecular consequence: intron variant. On other transcripts: missense variant (1), 5 prime UTR variant (1).
Genome position (GRCh38, 1-based): chr11:27,674,139, G>C on the plus strand (C>G on the coding strand, the complement: BDNF is on the minus strand). VCF-style: chr11-27674139-G-C. GRCh37 (hg19) VCF-style: chr11-27695686-G-C.
Other names: c.146C>G, p.Ser49Cys (NM_001143810.2); c.-218C>G (NM_001143811.2); c.4-15554C>G (NM_170731.5); c.-21-15554C>G (NM_001143805.1, NM_001143806.1, NM_170732.4 and 5 more transcripts); c.67-15554C>G (NM_001143809.2); c.-128-15213C>G (NM_001143814.2); c.25-15554C>G (NM_170734.4); short protein forms S49C.
Identifiers: ClinVar variation 5001685 (VCV005001685.1).

ClinVar aggregate classification (germline): Uncertain significance (1 of 4 stars; one submission).

Conditions:
BDNF-related disorder. Also called: BDNF-related condition.

gnomAD v4.1: 2 of 1,611,692 alleles (0.00012%); highest among the groups gnomAD compares: Admixed American, 0.0034%; no homozygotes.

Submission:

PreventionGenetics, part of Exact Sciences
Classification: Uncertain significance for BDNF-related condition. Last evaluated: 2025-06-04. Review status: criteria provided, single submitter. Criteria: ACMG Guidelines, 2015. Collection method: clinical testing. Allele origin: germline.
Comment: The BDNF c.146C>G variant is predicted to result in the amino acid substitution p.Ser49Cys. To our knowledge, this variant has not been reported in the literature. This variant is reported in 0.0059% of alleles in individuals of Latino descent in gnomAD. At this time, the clinical significance of this variant is uncertain due to the absence of conclusive functional and genetic evidence.